The following is an entry in ClinVar:

ClinVar aggregate classification (germline): Uncertain significance. Review status: criteria provided, single submitter (1 of 4 stars). 2 submissions from 2 submitters: Uncertain significance (1). 1 of the submissions does not count toward it. Last evaluated 2022-03-10.

Conditions:
Usher syndrome type 1B (USH1B). Also called: Usher syndrome type IB. Identifiers: MedGen C1848638, MONDO:0700087.

Allele frequency attached by ClinVar (database versions not stated): ExAC below 0.00001; gnomAD exomes 0.00001; TOPMed 0.00002; ESP Exome Variant Server 0.00008.
gnomAD v4.1: 30 of 1,546,646 alleles (0.0019%); highest among the groups gnomAD compares: Non-Finnish European, 0.0026%; no homozygotes.

Submissions (2):

Labcorp Genetics (formerly Invitae), Labcorp
Classification: Uncertain significance. Last evaluated: 2022-03-10. Review status: criteria provided, single submitter. Criteria: Invitae Variant Classification Sherloc (09022015). Collection method: clinical testing. Allele origin: germline.
Comment: This sequence change replaces isoleucine, which is neutral and non-polar, with valine, which is neutral and non-polar, at codon 818 of the MYO7A protein (p.Ile818Val). This variant is not present in population databases (gnomAD no frequency). This variant has not been reported in the literature in individuals affected with MYO7A-related conditions. ClinVar contains an entry for this variant (Variation ID: 991225). Advanced modeling of protein sequence and biophysical properties (such as structural, functional, and spatial information, amino acid conservation, physicochemical variation, residue mobility, and thermodynamic stability) performed at Invitae indicates that this missense variant is not expected to disrupt MYO7A protein function. In summary, the available evidence is currently insufficient to determine the role of this variant in disease. Therefore, it has been classified as a Variant of Uncertain Significance.

Natera, Inc.
Classification: Uncertain significance for Usher syndrome type 1B. Last evaluated: 2020-04-16. Review status: no assertion criteria provided. Collection method: clinical testing. Allele origin: germline. Not counted in ClinVar's aggregate classification.

NM_000260.4(MYO7A):c.2452A>G (p.Ile818Val)

Gene: MYO7A (myosin VIIA; plus strand). Cytogenetic location: 11q13.5.
Variant type: single nucleotide variant.
Coding change: c.2452A>G on transcript NM_000260.4 (MANE Select); coding-DNA position 2452, A replaced by G.
Protein change: p.Ile818Val; replaces isoleucine 818 with valine.
Molecular consequence: missense variant.
Genome position (GRCh38, 1-based): chr11:77,179,819, A>G. VCF-style: chr11-77179819-A-G. GRCh37 (hg19) VCF-style: chr11-76890865-A-G.
Other names: c.2452A>G, p.Ile818Val (NM_001127180.2); c.2419A>G, p.Ile807Val (NM_001369365.1); short protein forms I807V, I818V.
Identifiers: ClinVar variation 991225 (VCV000991225.7), dbSNP rs374547580, ClinGen allele CA6197847.